The following is an entry in ClinVar:

NM_001374736.1(DST):c.14680G>A (p.Glu4894Lys)

Gene: DST (dystonin; minus strand). Cytogenetic location: 6p12.1.
Variant type: single nucleotide variant.
Coding change: c.14680G>A on transcript NM_001374736.1 (MANE Select); coding-DNA position 14680, G replaced by A.
Protein change: p.Glu4894Lys; replaces glutamic acid 4894 with lysine.
Molecular consequence: missense variant.
Genome position (GRCh38, 1-based): chr6:56,555,801, C>T on the plus strand (G>A on the coding strand, the complement: DST is on the minus strand). VCF-style: chr6-56555801-C-T. GRCh37 (hg19) VCF-style: chr6-56420599-C-T.
Other names: c.8323G>A, p.Glu2775Lys (NM_001144769.5); c.7909G>A, p.Glu2637Lys (NM_001144770.2); c.14680G>A, p.Glu4894Lys (NM_001374722.1); c.14047G>A, p.Glu4683Lys (NM_001374729.1); c.7789G>A, p.Glu2597Lys (NM_001374730.1, NM_001386100.1, NM_183380.4); c.14707G>A, p.Glu4903Lys (NM_001374734.1); c.6811G>A, p.Glu2271Lys (NM_015548.5); short protein forms E4894K, E2597K, E2775K, E2271K, E2637K, E4903K, E4683K.
Identifiers: ClinVar variation 1762935 (VCV001762935.2), dbSNP rs2535392111, ClinGen allele CA364519904.

ClinVar aggregate classification (germline): Uncertain significance (1 of 4 stars; one submission).

Conditions:
Inborn genetic diseases. Identifiers: MedGen C0950123, MeSH D030342.

Allele frequency attached by ClinVar (database versions not stated): gnomAD exomes below 0.00001.
gnomAD v4.1: 1 of 1,527,278 alleles (0.000065%); highest among the groups gnomAD compares: Non-Finnish European, 0.000088%; no homozygotes.

Submission:

Ambry Genetics
Classification: Uncertain significance for Inborn genetic diseases. Last evaluated: 2021-07-16. Review status: criteria provided, single submitter. Criteria: Ambry Variant Classification Scheme 2023. Collection method: clinical testing. Allele origin: germline.
Comment: The p.E2775K variant (also known as c.8323G>A), located in coding exon 54 of the DST gene, results from a G to A substitution at nucleotide position 8323. The glutamic acid at codon 2775 is replaced by lysine, an amino acid with similar properties. This amino acid position is highly conserved in available vertebrate species. In addition, the in silico prediction for this alteration is inconclusive. Since supporting evidence is limited at this time, the clinical significance of this alteration remains unclear.